The following is an entry in ClinVar:

ClinVar aggregate classification (germline): Uncertain significance. Review status: criteria provided, single submitter (1 of 4 stars). 2 submissions from 2 submitters: Uncertain significance (1). 1 of the submissions does not count toward it. Last evaluated 2017-10-08.

Conditions:
Pyruvate dehydrogenase E1-alpha deficiency (PDHAD). Also called: ATAXIA, INTERMITTENT, WITH PYRUVATE DEHYDROGENASE DEFICIENCY; ATAXIA WITH LACTIC ACIDOSIS I; ATAXIA, INTERMITTENT, WITH ABNORMAL PYRUVATE METABOLISM; Ataxia, intermittent, with pyruvate dehydrogenase, or decarboxylase, deficiency. Identifiers: Orphanet 79243, MedGen C1839413, MONDO:0010717, OMIM 312170.

Submissions (2):

Labcorp Genetics (formerly Invitae), Labcorp
Classification: Uncertain significance for Pyruvate dehydrogenase E1-alpha deficiency. Last evaluated: 2017-10-08. Review status: criteria provided, single submitter. Criteria: Invitae Variant Classification Sherloc (09022015). Collection method: clinical testing. Allele origin: germline.
Comment: In summary, the available evidence is currently insufficient to determine the role of this variant in disease. Therefore, it has been classified as a Variant of Uncertain Significance. Algorithms developed to predict the effect of missense changes on protein structure and function do not agree on the potential impact of this missense change (SIFT: "Deleterious"; PolyPhen-2: "Probably Damaging"; Align-GVGD: "Class C0"). This variant has not been reported in the literature in individuals with PDHA1-related disease. This variant is not present in population databases (ExAC no frequency). This sequence change replaces cysteine with tyrosine at codon 145 of the PDHA1 protein (p.Cys145Tyr). The cysteine residue is moderately conserved and there is a large physicochemical difference between cysteine and tyrosine.

PDHA1 Study Group, University Children’s Hospital, Paracelsus Medical University
Classification: Likely pathogenic for Pyruvate dehydrogenase E1-alpha deficiency. Last evaluated: 2024-10-15. Review status: no assertion criteria provided. Collection method: research. Allele origin: de novo. Affected: yes. Observed: 2 variant alleles. Not counted in ClinVar's aggregate classification.
Comment: The NM_000284.3:c.434G>A (p.Cys145Tyr) substitution is a missense variant in PDHA1 gene. In total, 2 individuals were diagnosed with PDHA1-related Pyruvate dehydrogenase complex (PDHc) deficiency (MIM #312170). Among them, 1 case had confirmed de novo occurrence. The variant has been reported in 1 published case (PMIDs: 34732400). Last literature search: July 12, 2024. This variant is absent or extremely rare in population-based cohorts in the Genome Aggregation Database (gnomAD). Individuals harboring this variant presented with clinical features compatible with PDHA1-related PDHc deficiency. In summary, this variant meets criteria to be classified as likely pathogenic (LP) for PDHA1-related PDHc deficiency based on the ACMG/AMP criteria applied: PS2, PM1, PM2, PP3 (last assessment October 15, 2024).

Literature cited by the submitters: PubMed 34732400 (cited by PDHA1 Study Group, University Children’s Hospital, Paracelsus Medical University); DOI 10.1093/brain/awaf430 (cited by PDHA1 Study Group, University Children’s Hospital, Paracelsus Medical University).

NM_000284.4(PDHA1):c.434G>A (p.Cys145Tyr)

Gene: PDHA1 (pyruvate dehydrogenase E1 subunit alpha 1; plus strand). Cytogenetic location: Xp22.12.
Variant type: single nucleotide variant.
Coding change: c.434G>A on transcript NM_000284.4 (MANE Select); coding-DNA position 434, G replaced by A.
Protein change: p.Cys145Tyr; replaces cysteine 145 with tyrosine.
Molecular consequence: missense variant.
Genome position (GRCh38, 1-based): chrX:19,353,097, G>A. VCF-style: chrX-19353097-G-A. GRCh37 (hg19) VCF-style: chrX-19371215-G-A.
Other names: c.548G>A, p.Cys183Tyr (NM_001173454.2); c.455G>A, p.Cys152Tyr (NM_001173455.2); c.434G>A, p.Cys145Tyr (NM_001173456.2); short protein forms C145Y, C152Y, C183Y.
Identifiers: ClinVar variation 533402 (VCV000533402.9), dbSNP rs1555933946, ClinGen allele CA412393012.
Genomic context (GRCh38, chrX:19,353,097, plus strand): 5'-TAGAGTTGGTTTGTTCTGCACATGTGTATGTTCTGCCATTTCCAGGACGAAAAGGAGGTT[G>A]TGCTAAAGGGAAAGGAGGATCGATGCACATGTATGCCAAGAACTTCTACGGGGGCAATGG-3'
Protein context (NP_000275.1, residues 135-155): LAELTGRKGG[Cys145Tyr]AKGKGGSMHM